The following is an entry in ClinVar:

NM_004958.4(MTOR):c.41C>G (p.Thr14Ser)

Gene: MTOR (mechanistic target of rapamycin kinase; minus strand). Cytogenetic location: 1p36.22.
Variant type: single nucleotide variant.
Coding change: c.41C>G on transcript NM_004958.4 (MANE Select); coding-DNA position 41, C replaced by G.
Protein change: p.Thr14Ser; replaces threonine 14 with serine.
Molecular consequence: missense variant. On other transcripts: 5 prime UTR variant (1).
Genome position (GRCh38, 1-based): chr1:11,259,369, G>C on the plus strand (C>G on the coding strand, the complement: MTOR is on the minus strand). VCF-style: chr1-11259369-G-C. GRCh37 (hg19) VCF-style: chr1-11319426-G-C.
Other names: c.41C>G, p.Thr14Ser (NM_001386500.1); c.-1099C>G (NM_001386501.1); short protein forms T14S.
Identifiers: ClinVar variation 3694135 (VCV003694135.2).

ClinVar aggregate classification (germline): Uncertain significance (1 of 4 stars; one submission).

gnomAD v4.1: 3 of 1,597,744 alleles (0.00019%); highest among the groups gnomAD compares: Non-Finnish European, 0.00026%; no homozygotes.

Submission:

Labcorp Genetics (formerly Invitae), Labcorp
Classification: Uncertain significance. Last evaluated: 2024-02-06. Review status: criteria provided, single submitter. Criteria: Invitae Variant Classification Sherloc (09022015). Collection method: clinical testing. Allele origin: germline.
Comment: This sequence change replaces threonine, which is neutral and polar, with serine, which is neutral and polar, at codon 14 of the MTOR protein (p.Thr14Ser). This variant is present in population databases (rs752849789, gnomAD 0.002%). This variant has not been reported in the literature in individuals affected with MTOR-related conditions. Advanced modeling of protein sequence and biophysical properties (such as structural, functional, and spatial information, amino acid conservation, physicochemical variation, residue mobility, and thermodynamic stability) performed at Invitae indicates that this missense variant is not expected to disrupt MTOR protein function with a negative predictive value of 95%. In summary, the available evidence is currently insufficient to determine the role of this variant in disease. Therefore, it has been classified as a Variant of Uncertain Significance.